The following is an entry in ClinVar:

ClinVar aggregate classification (germline): Pathogenic. Review status: criteria provided, multiple submitters, no conflicts (2 of 4 stars). 2 submissions from 2 submitters: Pathogenic (2). Last evaluated 2023-06-14.

Conditions:
Hereditary breast ovarian cancer syndrome. Also called: Hereditary breast and ovarian cancer syndrome (HBOC); Hereditary breast and/or ovarian cancer syndrome; Hereditary breast and ovarian cancer; BRCA1- and BRCA2-Associated Hereditary Breast and Ovarian Cancer; Hereditary breast and ovarian cancer syndrome; Breast and ovarian cancer. Identifiers: Orphanet 145, MedGen C0677776, MeSH D061325, MONDO:0003582. Disease mechanism: loss of function.
Hereditary cancer-predisposing syndrome. Also called: Tumor predisposition; Hereditary neoplastic syndrome; Neoplastic Syndromes, Hereditary; Hereditary Cancer Syndrome. Identifiers: Orphanet 140162, MedGen C0027672, MeSH D009386, MONDO:0015356.

Submissions (2):

Labcorp Genetics (formerly Invitae), Labcorp
Classification: Pathogenic for Hereditary breast ovarian cancer syndrome. Last evaluated: 2023-06-14. Review status: criteria provided, single submitter. Criteria: Invitae Variant Classification Sherloc (09022015). Collection method: clinical testing. Allele origin: germline.
Comment: For these reasons, this variant has been classified as Pathogenic. ClinVar contains an entry for this variant (Variation ID: 1074058). This variant has not been reported in the literature in individuals affected with BRCA2-related conditions. This variant is not present in population databases (gnomAD no frequency). This sequence change creates a premature translational stop signal (p.Tyr1739*) in the BRCA2 gene. It is expected to result in an absent or disrupted protein product. Loss-of-function variants in BRCA2 are known to be pathogenic (PMID: 20104584).

Ambry Genetics
Classification: Pathogenic for Hereditary cancer-predisposing syndrome. Last evaluated: 2021-02-26. Review status: criteria provided, single submitter. Criteria: Ambry Variant Classification Scheme 2023. Collection method: clinical testing. Allele origin: germline.
Comment: The p.Y1739* pathogenic mutation (also known as c.5217T>G), located in coding exon 10 of the BRCA2 gene, results from a T to G substitution at nucleotide position 5217. This changes the amino acid from a tyrosine to a stop codon within coding exon 10. This variant was not reported in population-based cohorts in the Genome Aggregation Database (gnomAD). Different alterations resulting in termination at the same amino acid position, c.5217_5223del , c.5217T>A, and c.5216dupA (p.Y1739*) have all been reported in hereditary breast and ovarian cancer cohorts in various populations (Heramb C et al. Hered Cancer Clin Pract, 2018 Jan;16:3; Yadav S et al. J Clin Oncol, 2020 05;38:1409-1418; Rebbeck TR et al. Hum Mutat, 2018 05;39:593-620; Fernandes GC et al. Oncotarget, 2016 Dec;7:80465-80481; H&oslash;berg-Vetti H et al. Eur J Hum Genet, 2016 06;24:881-8). In addition to the information presented in the literature, this alteration is expected to result in loss of function by premature protein truncation or nonsense-mediated mRNA decay. As such, this alteration is interpreted as a disease-causing mutation.

Literature cited by the submitters: PubMed 20104584 (cited by Labcorp Genetics (formerly Invitae), Labcorp); PubMed 26350514 (cited by Ambry Genetics); PubMed 27741520 (cited by Ambry Genetics); PubMed 29339979 (cited by Ambry Genetics); PubMed 29446198 (cited by Ambry Genetics); PubMed 32125938 (cited by Ambry Genetics).

NM_000059.4(BRCA2):c.5217T>G (p.Tyr1739Ter)

Gene: BRCA2 (BRCA2 DNA repair associated; plus strand). Cytogenetic location: 13q13.1.
Variant type: single nucleotide variant.
Coding change: c.5217T>G on transcript NM_000059.4 (MANE Select); coding-DNA position 5217, T replaced by G.
Protein change: p.Tyr1739Ter; replaces tyrosine 1739 with a stop codon.
Molecular consequence: nonsense.
Genome position (GRCh38, 1-based): chr13:32,339,572, T>G. VCF-style: chr13-32339572-T-G. GRCh37 (hg19) VCF-style: chr13-32913709-T-G.
Other names: short protein forms Y1739*.
Identifiers: ClinVar variation 1074058 (VCV001074058.9), dbSNP rs80358746, ClinGen allele CA387784629.